The following is an entry in ClinVar:

NM_004004.6(GJB2):c.341A>G (p.Glu114Gly)

Gene: GJB2 (gap junction protein beta 2; minus strand). Cytogenetic location: 13q12.11.
Variant type: single nucleotide variant.
Coding change: c.341A>G on transcript NM_004004.6 (MANE Select); coding-DNA position 341, A replaced by G.
Protein change: p.Glu114Gly; replaces glutamic acid 114 with glycine.
Molecular consequence: missense variant.
Genome position (GRCh38, 1-based): chr13:20,189,241, T>C on the plus strand (A>G on the coding strand, the complement: GJB2 is on the minus strand). VCF-style: chr13-20189241-T-C. GRCh37 (hg19) VCF-style: chr13-20763380-T-C.
Other names: short protein forms E114G.
Identifiers: ClinVar variation 44739 (VCV000044739.47), dbSNP rs2274083, ClinGen allele CA134960.

ClinVar aggregate classification (germline): Benign/Likely benign. Review status: criteria provided, multiple submitters, no conflicts (2 of 4 stars). 23 submissions from 20 submitters: Benign (18); Likely benign (1). 4 of the submissions do not count toward it. Last evaluated 2026-02-04.

Conditions:
Ichthyosis, hystrix-like, with hearing loss. Also called: Hystrix-like ichthyosis with deafness. Identifiers: Orphanet 477, MedGen C1865234, MONDO:0011245.
Palmoplantar keratoderma-deafness syndrome. Also called: Keratoderma palmoplantar, with deafness; Palmoplantar keratoderma and sensorineural deafness; Hereditary palmoplantar keratoderma with deafness (subtype); Focal palmoplantar keratoderma with sensorineural deafness (subtype); Diffuse palmoplantar keratoderma with deafness (subtype). Identifiers: Orphanet 2202, MedGen C1835672, MONDO:0007852, OMIM 148350.
Knuckle pads, deafness AND leukonychia syndrome. Also called: Bart-Pumphrey syndrome. Identifiers: Orphanet 2698, MedGen C0266004, MONDO:0007866, OMIM 149200.
X-linked mixed hearing loss with perilymphatic gusher. Also called: Gusher syndrome; NANCE DEAFNESS; PERILYMPHATIC GUSHER-DEAFNESS SYNDROME; SENSORINEURAL DEAFNESS, PROFOUND, WITH OR WITHOUT A CONDUCTIVE COMPONENT, ASSOCIATED WITH A UNIQUE DEVELOPMENTAL ABNORMALITY OF THE EAR; Deafness, X-linked 2. Identifiers: Orphanet 383, MedGen C1844678, MONDO:0010576, OMIM 304400.
Mutilating keratoderma (VOWNKL). Also called: Keratoderma hereditarium mutilans. Identifiers: Orphanet 494, MedGen C0265964, MONDO:0007422, OMIM 124500.
Autosomal recessive nonsyndromic hearing loss 1A (DFNB1A). Also called: Connexin 26 deafness; Deafness nonsyndromic, Connexin 26 linked; GJB6-Related DFNB 1 Nonsyndromic Hearing Loss and Deafness; Deafness, autosomal recessive 1A; Nonsyndromic Hearing Loss and Deafness, DFNB1; GJB2-Related Autosomal Recessive Nonsyndromic Hearing Loss. Identifiers: Orphanet 90636, MedGen C2673759, MONDO:0009076, OMIM 220290.
Autosomal dominant keratitis-ichthyosis-hearing loss syndrome. Also called: Senter syndrome; KID SYNDROME, AUTOSOMAL DOMINANT; HID SYNDROME. Identifiers: Orphanet 477, MedGen C0265336, MONDO:0007850, OMIM 148210.
Autosomal dominant nonsyndromic hearing loss 3A. Identifiers: Orphanet 90635, MedGen C2675750, MONDO:0011103, OMIM 601544.

Allele frequency attached by ClinVar (database versions not stated): gnomAD exomes 0.00542 and 0.01495; ExAC 0.01459; ESP Exome Variant Server 0.00062; gnomAD 0.00499 and 0.00700; TOPMed 0.01006; 1000 Genomes Project 0.03095; 1000 Genomes Project 30x 0.02858.
gnomAD v4.1: 9,012 of 1,613,590 alleles (0.56%); highest among the groups gnomAD compares: East Asian, 17%; 688 homozygotes.

Submissions 1 to 13 of 23:

Labcorp Genetics (formerly Invitae), Labcorp
Classification: Benign. Last evaluated: 2026-02-04. Review status: criteria provided, single submitter. Criteria: Invitae Variant Classification Sherloc (09022015). Collection method: clinical testing. Allele origin: germline.

Blueprint Genetics
Classification: Benign. Last evaluated: 2024-11-26. Review status: criteria provided, single submitter. Criteria: ACMG Guidelines, 2015. Collection method: clinical testing. Allele origin: germline.

ARUP Laboratories, Molecular Genetics and Genomics, ARUP Laboratories
Classification: Benign. Last evaluated: 2024-11-12. Review status: criteria provided, single submitter. Criteria: ARUP Molecular Germline Variant Investigation Process 2024. Collection method: clinical testing. Allele origin: germline.

Victorian Clinical Genetics Services, Murdoch Childrens Research Institute
Classification: Benign for Autosomal recessive nonsyndromic hearing loss 1A. Last evaluated: 2023-07-17. Review status: criteria provided, single submitter. Criteria: ACMG Guidelines, 2015. Collection method: clinical testing. Allele origin: germline. Inheritance: Autosomal recessive inheritance. Affected: yes.
Comment: Based on the classification scheme VCGS_Germline_v1.3.4, this variant is classified as Benign. Following criteria are met: 0102 - Loss of function is a known mechanism of disease in this gene and is associated with both deafness and skin conditions (OMIM). Dominant negative is also a suggested mechanism (PMID: 28428247). (I) 0108 - This gene is associated with both recessive and dominant disease. The autosomal dominant diseases are commonly associated with pathogenic missense variants. The autosomal recessive disease is associated with bi-allelic loss-of-function variants and includes missense and protein truncating variants (NIH Genetics Home Reference, PMID: 12792423). (I) 0112 - The condition associated with this gene has incomplete penetrance (PMID:31160754). (I) 0115 - Variants in this gene are known to have variable expressivity. Severity can range from mild to profound with intrafamilial variability also commonly seen. Commonly, truncating variants are associated to a more severe hearing loss (PMID: 20301449). (I) 0200 - Variant is predicted to result in a missense amino acid change from glutamic acid to glycine. (I) 0251 - This variant is heterozygous. (I) 0308 - Population frequency for this variant is out of keeping with known incidence of autosomal recessive and autosomal dominant deafness. (SB) 0309 - An alternative amino acid change at the same position has been observed in gnomAD (v2) (15 heterozygotes, 0 homozygotes). (I) 0502 - Missense variant with conflicting in silico predictions and uninformative conservation. (I) 0600 - Variant is located in the annotated connexin domain (DECIPHER). (I) 0805 - This variant has strong previous evidence of being benign in unrelated individuals. This variant has been identified in cis with another variant; c.79G>A in greater than 15 unrelated families with hearing loss and in greater than 17 unaffected controls. This variant has been reported multiple times as a polymorphism (ClinVar, PMID: 31195736, PMID: 19366456, PMID 34161886). (SB) 1208 - Inheritance information for this variant is not currently available in this individual. (I) Legend: (SP) - Supporting pathogenic, (I) - Information, (SB) - Supporting benign

Fulgent Genetics
Classification: Likely benign for Mutilating keratoderma; Autosomal dominant keratitis-ichthyosis-hearing loss syndrome; Palmoplantar keratoderma-deafness syndrome; Knuckle pads, deafness AND leukonychia syndrome; Autosomal recessive nonsyndromic hearing loss 1A; X-linked mixed hearing loss with perilymphatic gusher; Autosomal dominant nonsyndromic hearing loss 3A. Last evaluated: 2022-05-09. Review status: criteria provided, single submitter. Criteria: ACMG Guidelines, 2015. Collection method: clinical testing. Allele origin: unknown.

Pars Genome Lab
Classification: Benign for Autosomal recessive nonsyndromic hearing loss 1A. Last evaluated: 2021-07-01. Review status: criteria provided, single submitter. Criteria: ACMG Guidelines, 2015. Collection method: clinical testing. Allele origin: germline. Affected: no.

Pars Genome Lab
Classification: Benign for Autosomal dominant nonsyndromic hearing loss 3A. Last evaluated: 2021-07-01. Review status: criteria provided, single submitter. Criteria: ACMG Guidelines, 2015. Collection method: clinical testing. Allele origin: germline. Affected: no.

Illumina Laboratory Services, Illumina
Classification: Benign for Autosomal recessive nonsyndromic hearing loss 1A. Last evaluated: 2018-03-06. Review status: criteria provided, single submitter. Criteria: ICSL Variant Classification Criteria 13 December 2019. Collection method: clinical testing. Allele origin: germline.
Comment: This variant was observed in the ICSL laboratory as part of a predisposition screen in an ostensibly healthy population. It had not been previously curated by ICSL or reported in the Human Gene Mutation Database (HGMD: prior to June 1st, 2018), and was therefore a candidate for classification through an automated scoring system. Utilizing variant allele frequency, disease prevalence and penetrance estimates, and inheritance mode, an automated score was calculated to assess if this variant is too frequent to cause the disease. Based on the score and internal cut-off values, a variant classified as benign is not then subjected to further curation. The score for this variant resulted in a classification of benign for this disease.

Illumina Laboratory Services, Illumina
Classification: Benign for Autosomal dominant nonsyndromic hearing loss 3A. Last evaluated: 2018-03-06. Review status: criteria provided, single submitter. Criteria: ICSL Variant Classification Criteria 13 December 2019. Collection method: clinical testing. Allele origin: germline.
Comment: the same text as in the submission from Illumina Laboratory Services, Illumina above.

Illumina Laboratory Services, Illumina
Classification: Benign for Autosomal dominant keratitis-ichthyosis-hearing loss syndrome. Last evaluated: 2018-03-06. Review status: criteria provided, single submitter. Criteria: ICSL Variant Classification Criteria 13 December 2019. Collection method: clinical testing. Allele origin: germline.
Comment: the same text as in the submission from Illumina Laboratory Services, Illumina above.

Athena Diagnostics
Classification: Benign. Last evaluated: 2017-11-29. Review status: criteria provided, single submitter. Criteria: Athena Diagnostics Criteria. Collection method: clinical testing. Allele origin: germline.

Genomic Diagnostic Laboratory, Division of Genomic Diagnostics, Children's Hospital of Philadelphia
Classification: Benign for Deafness, autosomal recessive 1A. Last evaluated: 2017-05-09. Review status: criteria provided, single submitter. Criteria: DGD Variant Analysis Guidelines. Collection method: clinical testing. Allele origin: germline. Affected: yes. Observed: 11 variant alleles.

GeneDx
Classification: Benign. Last evaluated: 2016-06-27. Review status: criteria provided, single submitter. Criteria: GeneDx Variant Classification (06012015). Collection method: clinical testing. Allele origin: germline. Affected: yes.
Comment: This variant is considered likely benign or benign based on one or more of the following criteria: it is a conservative change, it occurs at a poorly conserved position in the protein, it is predicted to be benign by multiple in silico algorithms, and/or has population frequency not consistent with disease.